The following is an entry in ClinVar:

ClinVar aggregate classification (germline): Conflicting classifications of pathogenicity. Review status: criteria provided, conflicting classifications (1 of 4 stars). 3 submissions from 3 submitters: Uncertain significance (1); Likely benign (2). Last evaluated 2025-01-30.

Conditions:
Tumor predisposition syndrome 3 (TPDS3). Also called: Melanoma, cutaneous malignant, susceptibility to, 10; Glioma susceptibility 9; LONG TELOMERE SYNDROME, POT1-RELATED; POT1 Tumor Predisposition. Identifiers: Orphanet 618, MedGen C4014476, MONDO:0014368, OMIM 615848.
Hereditary cancer-predisposing syndrome. Also called: Tumor predisposition; Hereditary Cancer Syndrome; Hereditary neoplastic syndrome; Neoplastic Syndromes, Hereditary. Identifiers: Orphanet 140162, MedGen C0027672, MeSH D009386, MONDO:0015356.

Submissions (3):

GeneDx
Classification: Uncertain significance. Last evaluated: 2025-01-30. Review status: criteria provided, single submitter. Criteria: GeneDx Variant Classification Process June 2021. Collection method: clinical testing. Allele origin: germline. Affected: yes.
Comment: Not observed at significant frequency in large population cohorts (gnomAD); In silico analysis indicates that this variant does not alter splicing; Has not been previously published as pathogenic or benign to our knowledge

Ambry Genetics
Classification: Likely benign for Hereditary cancer-predisposing syndrome. Last evaluated: 2024-11-04. Review status: criteria provided, single submitter. Criteria: Ambry Variant Classification Scheme 2023. Collection method: clinical testing. Allele origin: germline.

Labcorp Genetics (formerly Invitae), Labcorp
Classification: Likely benign for Tumor predisposition syndrome 3. Last evaluated: 2023-01-12. Review status: criteria provided, single submitter. Criteria: Invitae Variant Classification Sherloc (09022015). Collection method: clinical testing. Allele origin: germline.

NM_015450.3(POT1):c.703-3dup

Gene: POT1 (protection of telomeres 1; minus strand). Cytogenetic location: 7q31.33.
Variant type: Duplication.
Coding change: c.703-3dup on transcript NM_015450.3 (MANE Select); 3 bases into the intron before coding-DNA position 703, one base duplicated (T; older notation c.703-3dupT).
Molecular consequence: intron variant.
Genome position (GRCh38, 1-based): chr7:124,853,141, A duplicated on the plus strand (T on the coding strand, the reverse complement: POT1 is on the minus strand); the first of 6 consecutive A bases (chr7:124,853,141-124,853,146); duplicating any one gives the same sequence. VCF-style (leftmost placement, unchanged base first): chr7-124853140-T-TA. GRCh37 (hg19) VCF-style: chr7-124493194-T-TA.
Other names: c.310-3dup (NM_001042594.2).
Identifiers: ClinVar variation 751833 (VCV000751833.11), dbSNP rs1584765789, ClinGen allele CA457467526.